The following is an entry in ClinVar:

NM_016203.4(PRKAG2):c.87G>A (p.Lys29=)

Gene: PRKAG2 (protein kinase AMP-activated non-catalytic subunit gamma 2; minus strand). Cytogenetic location: 7q36.1.
Variant type: single nucleotide variant.
Coding change: c.87G>A on transcript NM_016203.4 (MANE Select); coding-DNA position 87, G replaced by A.
Protein change: p.Lys29=; no amino-acid change (lysine 29 retained).
Molecular consequence: synonymous variant.
Genome position (GRCh38, 1-based): chr7:151,876,534, C>T on the plus strand (G>A on the coding strand, the complement: PRKAG2 is on the minus strand). VCF-style: chr7-151876534-C-T. GRCh37 (hg19) VCF-style: chr7-151573619-C-T.
Identifiers: ClinVar variation 1097279 (VCV001097279.10), dbSNP rs2080410736, ClinGen allele CA458679852.

ClinVar aggregate classification (germline): Likely benign. Review status: criteria provided, multiple submitters, no conflicts (2 of 4 stars). 2 submissions from 2 submitters: Likely benign (2). Last evaluated 2023-08-15.

Conditions:
Lethal congenital glycogen storage disease of heart. Also called: PHOSPHORYLASE KINASE DEFICIENCY OF HEART; GLYCOGEN STORAGE DISEASE OF HEART. Identifiers: Orphanet 439854, MedGen C1849813, MONDO:0009867, OMIM 261740.
Hypertrophic cardiomyopathy. Also called: HYPERTROPHIC MYOCARDIOPATHY. Identifiers: Orphanet 217569, MedGen C0007194, MeSH D002312, MONDO:0005045, HP:0001639.

Allele frequency attached by ClinVar (database versions not stated): TOPMed below 0.00001.

Submissions (2):

All of Us Research Program, National Institutes of Health
Classification: Likely benign for Hypertrophic cardiomyopathy. Last evaluated: 2023-08-15. Review status: criteria provided, single submitter. Criteria: ACMG Guidelines, 2015. Collection method: clinical testing. Allele origin: germline. Inheritance: Autosomal dominant inheritance. Observed: 2 variant alleles, 2 heterozygotes.
Comment: This study involves interpretation of variants in research participants for the purpose of population health screening. Participant phenotype was not available at the time of variant classification. Additional details can be found in publication PMID: 35346344, PMCID: PMC8962531

Labcorp Genetics (formerly Invitae), Labcorp
Classification: Likely benign for Lethal congenital glycogen storage disease of heart. Last evaluated: 2020-03-04. Review status: criteria provided, single submitter. Criteria: Invitae Variant Classification Sherloc (09022015). Collection method: clinical testing. Allele origin: germline.